The following is an entry in ClinVar:

ClinVar aggregate classification (germline): Uncertain significance (1 of 4 stars; one submission).

gnomAD v4.1: 1 of 1,546,800 alleles (0.000065%); no homozygotes.

Submission:

GeneDx
Classification: Uncertain significance. Last evaluated: 2024-01-05. Review status: criteria provided, single submitter. Criteria: GeneDx Variant Classification Process June 2021. Collection method: clinical testing. Allele origin: germline. Affected: yes.
Comment: Not observed at significant frequency in large population cohorts (gnomAD); Nonsense variant predicted to result in protein truncation or nonsense mediated decay in a gene or region of a gene for which loss of function is not a well-established mechanism of disease; Has not been previously published as pathogenic or benign to our knowledge

NM_001012614.2(CTBP1):c.430C>T (p.Arg144Ter)

Gene: CTBP1 (C-terminal binding protein 1; minus strand). Cytogenetic location: 4p16.3.
Variant type: single nucleotide variant.
Coding change: c.430C>T on transcript NM_001012614.2 (MANE Select); coding-DNA position 430, C replaced by T.
Protein change: p.Arg144Ter; replaces arginine 144 with a stop codon.
Molecular consequence: nonsense.
Genome position (GRCh38, 1-based): chr4:1,225,444, G>A on the plus strand (C>T on the coding strand, the complement: CTBP1 is on the minus strand). VCF-style: chr4-1225444-G-A. GRCh37 (hg19) VCF-style: chr4-1219232-G-A.
Other names: c.463C>T, p.Arg155Ter (NM_001328.3, NM_001377186.1); c.430C>T, p.Arg144Ter (NM_001377187.1, NM_001377188.1, NM_001377189.1 and 4 more transcripts); short protein forms R144*, R155*.
Identifiers: ClinVar variation 3367621 (VCV003367621.1).